The following is an entry in ClinVar:

NM_001972.4(ELANE):c.176T>G (p.Leu59Arg)

Gene: ELANE (elastase, neutrophil expressed; plus strand). Cytogenetic location: 19p13.3.
Variant type: single nucleotide variant.
Coding change: c.176T>G on transcript NM_001972.4 (MANE Select); coding-DNA position 176, T replaced by G.
Protein change: p.Leu59Arg; replaces leucine 59 with arginine.
Molecular consequence: missense variant.
Genome position (GRCh38, 1-based): chr19:852,984, T>G. VCF-style: chr19-852984-T-G. GRCh37 (hg19) VCF-style: chr19-852984-T-G.
Other names: c.176T>G (LRG_57t1); short protein forms L59R.
Identifiers: ClinVar variation 453210 (VCV000453210.2), dbSNP rs1555709367, ClinGen allele CA402914740.

ClinVar aggregate classification (germline): Likely pathogenic (1 of 4 stars; one submission).

Submission:

GeneDx
Classification: Likely pathogenic. Last evaluated: 2017-11-03. Review status: criteria provided, single submitter. Criteria: GeneDx Variant Classification (06012015). Collection method: clinical testing. Allele origin: germline. Affected: yes.
Comment: The L59R variant has not been published as a pathogenic variant, nor has it been reported as a benign variant to our knowledge. The variant is not observed in large population cohorts (Lek et al., 2016). L59R is a non-conservative amino acid substitution, which is likely to impact secondary protein structure as these residues differ in polarity, charge, size and/or other properties. This substitution occurs at a position that is conserved across species, and in silico analysis predicts this variant is probably damaging to the protein structure/function. Missense variants in the same residue (L59P) and in nearby residues (C55S/S/Y, G56R, A57S/V/T, I60T, A61V) have been reported in the Human Gene Mutation Database in association with ELANE-related disorders (Stenson et al., 2014), supporting the functional importance of this region of the protein. In summary, this variant is likely pathogenic; however, the possibility that it is benign cannot be excluded.